The following is an entry in ClinVar:

ClinVar aggregate classification (germline): Uncertain significance. Review status: criteria provided, multiple submitters, no conflicts (2 of 4 stars). 3 submissions from 3 submitters: Uncertain significance (3). Last evaluated 2025-06-15.

Conditions:
Duane-radial ray syndrome (DRRS). Also called: Okihiro Syndrome; Duane-Radial Ray Syndrome/Okihiro Syndrome; Duane-Radial Ray Syndrome (DRRS) / Okihiro Syndrome; ACRORENOOCULAR SYNDROME; DR SYNDROME; DUANE ANOMALY WITH RADIAL RAY ABNORMALITIES AND DEAFNESS. Identifiers: Orphanet 93293, Orphanet 959, MedGen C1623209, MONDO:0011812, OMIM 607323. Disease mechanism: gain of function.
Oculootoradial syndrome (IVIC). Also called: IVIC syndrome; RADIAL RAY DEFECTS, HEARING IMPAIRMENT, EXTERNAL OPHTHALMOPLEGIA, AND THROMBOCYTOPENIA. Identifiers: Orphanet 2307, MedGen C1327918, MONDO:0007836, OMIM 147750.

Allele frequency attached by ClinVar (database versions not stated): gnomAD exomes below 0.00001; gnomAD 0.00001; TOPMed 0.00002.
gnomAD v4.1: 5 of 1,613,988 alleles (0.00031%); highest among the groups gnomAD compares: African/African-American, 0.0027%; no homozygotes.

Submissions (3):

Labcorp Genetics (formerly Invitae), Labcorp
Classification: Uncertain significance for Duane-radial ray syndrome. Last evaluated: 2025-06-15. Review status: criteria provided, single submitter. Criteria: Invitae Variant Classification Sherloc (09022015). Collection method: clinical testing. Allele origin: germline.
Comment: This sequence change replaces serine, which is neutral and polar, with asparagine, which is neutral and polar, at codon 395 of the SALL4 protein (p.Ser395Asn). This variant is present in population databases (no rsID available, gnomAD 0.007%). This variant has not been reported in the literature in individuals affected with SALL4-related conditions. ClinVar contains an entry for this variant (Variation ID: 1305604). An algorithm developed to predict the effect of missense changes on protein structure and function (PolyPhen-2) suggests that this variant is likely to be disruptive. In summary, the available evidence is currently insufficient to determine the role of this variant in disease. Therefore, it has been classified as a Variant of Uncertain Significance.

Fulgent Genetics
Classification: Uncertain significance for Oculootoradial syndrome; Duane-radial ray syndrome. Last evaluated: 2021-12-28. Review status: criteria provided, single submitter. Criteria: ACMG Guidelines, 2015. Collection method: clinical testing. Allele origin: unknown.

GeneDx
Classification: Uncertain significance. Last evaluated: 2019-05-07. Review status: criteria provided, single submitter. Criteria: GeneDx Variant Classification Process June 2021. Collection method: clinical testing. Allele origin: germline. Affected: yes.
Comment: In silico analysis, which includes protein predictors and evolutionary conservation, supports a deleterious effect; Has not been previously published as pathogenic or benign to our knowledge

NM_020436.5(SALL4):c.1184G>A (p.Ser395Asn)

Gene: SALL4 (spalt like transcription factor 4; minus strand). Cytogenetic location: 20q13.2.
Variant type: single nucleotide variant.
Coding change: c.1184G>A on transcript NM_020436.5 (MANE Select); coding-DNA position 1184, G replaced by A.
Protein change: p.Ser395Asn; replaces serine 395 with asparagine.
Molecular consequence: missense variant. On other transcripts: intron variant (1).
Genome position (GRCh38, 1-based): chr20:51,791,299, C>T on the plus strand (G>A on the coding strand, the complement: SALL4 is on the minus strand). VCF-style: chr20-51791299-C-T. GRCh37 (hg19) VCF-style: chr20-50407838-C-T.
Other names: c.1150+34G>A (NM_001318031.2); short protein forms S395N.
Identifiers: ClinVar variation 1305604 (VCV001305604.4), dbSNP rs1010416849, ClinGen allele CA315374263.